The following is an entry in ClinVar:

ClinVar aggregate classification (germline): Uncertain significance (1 of 4 stars; one submission).

Conditions:
Early-infantile DEE. Also called: Early infantile epileptic encephalopathy; Ohtahara syndrome; Early infantile epileptic encephalopathy with suppression bursts. Identifiers: Orphanet 1934, MedGen C0393706, MONDO:0800491.

Submission:

Labcorp Genetics (formerly Invitae), Labcorp
Classification: Uncertain significance for Early-infantile DEE. Last evaluated: 2022-05-25. Review status: criteria provided, single submitter. Criteria: Invitae Variant Classification Sherloc (09022015). Collection method: clinical testing. Allele origin: germline.
Comment: This sequence change replaces alanine, which is neutral and non-polar, with threonine, which is neutral and polar, at codon 244 of the SPTAN1 protein (p.Ala244Thr). In summary, the available evidence is currently insufficient to determine the role of this variant in disease. Therefore, it has been classified as a Variant of Uncertain Significance. Algorithms developed to predict the effect of missense changes on protein structure and function (SIFT, PolyPhen-2, Align-GVGD) all suggest that this variant is likely to be disruptive. This variant has not been reported in the literature in individuals affected with SPTAN1-related conditions. This variant is not present in population databases (gnomAD no frequency).

NM_001130438.3(SPTAN1):c.730G>A (p.Ala244Thr)

Gene: SPTAN1 (spectrin alpha, non-erythrocytic 1; plus strand). Cytogenetic location: 9q34.11.
Variant type: single nucleotide variant.
Coding change: c.730G>A on transcript NM_001130438.3 (MANE Select); coding-DNA position 730, G replaced by A.
Protein change: p.Ala244Thr; replaces alanine 244 with threonine.
Molecular consequence: missense variant.
Genome position (GRCh38, 1-based): chr9:128,576,901, G>A. VCF-style: chr9-128576901-G-A. GRCh37 (hg19) VCF-style: chr9-131339180-G-A.
Other names: c.730G>A, p.Ala244Thr (NM_001363765.2, NM_001375310.1, NM_001375311.2 and 5 more transcripts); c.766G>A, p.Ala256Thr (NM_001375312.2, NM_001375318.1); short protein forms A244T, A256T.
Identifiers: ClinVar variation 2045604 (VCV002045604.4), dbSNP rs2541044426, ClinGen allele CA375048173.